The following is an entry in ClinVar:

NM_021224.6(ZNF462):c.1937A>G (p.Asp646Gly)

Gene: ZNF462 (zinc finger protein 462; plus strand). Cytogenetic location: 9q31.2.
Variant type: single nucleotide variant.
Coding change: c.1937A>G on transcript NM_021224.6 (MANE Select); coding-DNA position 1937, A replaced by G.
Protein change: p.Asp646Gly; replaces aspartic acid 646 with glycine.
Molecular consequence: missense variant.
Genome position (GRCh38, 1-based): chr9:106,925,849, A>G. VCF-style: chr9-106925849-A-G. GRCh37 (hg19) VCF-style: chr9-109688130-A-G.
Other names: c.1937A>G, p.Asp646Gly (NM_001347997.2); short protein forms D646G.
Identifiers: ClinVar variation 3359858 (VCV003359858.1).

ClinVar aggregate classification (germline): Uncertain significance (1 of 4 stars; one submission).

Submission:

GeneDx
Classification: Uncertain significance. Last evaluated: 2023-06-20. Review status: criteria provided, single submitter. Criteria: GeneDx Variant Classification Process June 2021. Collection method: clinical testing. Allele origin: germline. Affected: yes.
Comment: Not observed at significant frequency in large population cohorts (gnomAD); In silico analysis supports that this missense variant does not alter protein structure/function; Has not been previously published as pathogenic or benign to our knowledge